The following is an entry in ClinVar:

ClinVar aggregate classification (germline): Conflicting classifications of pathogenicity. Review status: criteria provided, conflicting classifications (1 of 4 stars). 4 submissions from 4 submitters: Uncertain significance (3); Likely benign (1). Last evaluated 2025-11-12.

Conditions:
Distal myopathy with posterior leg and anterior hand involvement. Also called: WILLIAMS DISTAL MYOPATHY. Identifiers: Orphanet 63273, MedGen C3279722, MONDO:0013550, OMIM 614065.
Myofibrillar myopathy 5. Also called: Filaminopathy (type); FILAMINOPATHY, AUTOSOMAL DOMINANT. Identifiers: Orphanet 171445, MedGen C1836050, MONDO:0012289, OMIM 609524.
Hypertrophic cardiomyopathy 26. Also called: Cardiomyopathy, familial hypertrophic, 26. Identifiers: Orphanet 75249, MedGen C4310749, MONDO:0014883, OMIM 617047.
Cardiovascular phenotype. Identifiers: MedGen CN230736.

Allele frequency attached by ClinVar (database versions not stated): TOPMed 0.00010; ESP Exome Variant Server 0.00016.
gnomAD v4.1: 26 of 1,613,848 alleles (0.0016%); highest among the groups gnomAD compares: African/African-American, 0.035%; no homozygotes.

Submissions (4):

Labcorp Genetics (formerly Invitae), Labcorp
Classification: Likely benign for Distal myopathy with posterior leg and anterior hand involvement; Myofibrillar myopathy 5; Hypertrophic cardiomyopathy 26. Last evaluated: 2025-11-12. Review status: criteria provided, single submitter. Criteria: Invitae Variant Classification Sherloc (09022015). Collection method: clinical testing. Allele origin: germline.

Ambry Genetics
Classification: Uncertain significance for Cardiovascular phenotype. Last evaluated: 2024-07-04. Review status: criteria provided, single submitter. Criteria: Ambry Variant Classification Scheme 2023. Collection method: clinical testing. Allele origin: germline.
Comment: The p.G1019C variant (also known as c.3055G>T), located in coding exon 20 of the FLNC gene, results from a G to T substitution at nucleotide position 3055. The glycine at codon 1019 is replaced by cysteine, an amino acid with highly dissimilar properties. This amino acid position is not well conserved in available vertebrate species. In addition, the in silico prediction for this alteration is inconclusive. Since supporting evidence is limited at this time, the clinical significance of this alteration remains unclear.

Fulgent Genetics
Classification: Uncertain significance for Myofibrillar myopathy 5; Distal myopathy with posterior leg and anterior hand involvement; Hypertrophic cardiomyopathy 26. Last evaluated: 2021-09-06. Review status: criteria provided, single submitter. Criteria: ACMG Guidelines, 2015. Collection method: clinical testing. Allele origin: unknown.

Center for Genomics, Ann and Robert H. Lurie Children's Hospital of Chicago
Classification: Uncertain significance for Hypertrophic cardiomyopathy 26; Distal myopathy with posterior leg and anterior hand involvement; Myofibrillar myopathy 5. Review status: criteria provided, single submitter. Criteria: ACMG Guidelines, 2015. Collection method: clinical testing. Allele origin: germline.
Comment: FLNC NM_001458.4 exon 20 p.Gly1019Cys (c.3055G>T): This variant has not been reported in the literature and is present in 0.02% (6/24104) of African alleles in the Genome Aggregation Database. This variant is present in ClinVar (Variation ID:472027). Evolutionary conservation and computational predictive tools for this variant are unclear. In summary, data on this variant is insufficient for disease classification. Therefore, the clinical significance of this variant is uncertain.

NM_001458.5(FLNC):c.3055G>T (p.Gly1019Cys)

Gene: FLNC (filamin C; plus strand). Cytogenetic location: 7q32.1.
Variant type: single nucleotide variant.
Coding change: c.3055G>T on transcript NM_001458.5 (MANE Select); coding-DNA position 3055, G replaced by T.
Protein change: p.Gly1019Cys; replaces glycine 1019 with cysteine.
Molecular consequence: missense variant.
Genome position (GRCh38, 1-based): chr7:128,844,129, G>T. VCF-style: chr7-128844129-G-T. GRCh37 (hg19) VCF-style: chr7-128484183-G-T.
Other names: c.3055G>T, p.Gly1019Cys (NM_001127487.2); short protein forms G1019C.
Identifiers: ClinVar variation 472027 (VCV000472027.14), dbSNP rs200864007, ClinGen allele CA4474944.